The following is an entry in ClinVar:

NM_006662.3(SRCAP):c.4316T>C (p.Leu1439Pro)

Gene: SRCAP (Snf2 related CREBBP activator protein; plus strand). Cytogenetic location: 16p11.2.
Variant type: single nucleotide variant.
Coding change: c.4316T>C on transcript NM_006662.3 (MANE Select); coding-DNA position 4316, T replaced by C.
Protein change: p.Leu1439Pro; replaces leucine 1439 with proline.
Molecular consequence: missense variant.
Genome position (GRCh38, 1-based): chr16:30,723,740, T>C. VCF-style: chr16-30723740-T-C. GRCh37 (hg19) VCF-style: chr16-30735061-T-C.
Other names: short protein forms L1439P.
Identifiers: ClinVar variation 3359789 (VCV003359789.1).

ClinVar aggregate classification (germline): Likely benign (1 of 4 stars; one submission).

Submission:

GeneDx
Classification: Likely benign. Last evaluated: 2023-07-27. Review status: criteria provided, single submitter. Criteria: GeneDx Variant Classification Process June 2021. Collection method: clinical testing. Allele origin: germline. Affected: yes.
Comment: See Variant Classification Assertion Criteria.